The following is an entry in ClinVar:

NM_001243177.4(ALDOA):c.1163C>T (p.Ala388Val)

Genes: ALDOA (aldolase, fructose-bisphosphate A; plus strand), LOC112694756 (uncharaterized LOC112694756; plus strand). Cytogenetic location: 16p11.2.
Variant type: single nucleotide variant.
Coding change: c.1163C>T on transcript NM_001243177.4 (MANE Select); coding-DNA position 1163, C replaced by T.
Protein change: p.Ala388Val; replaces alanine 388 with valine.
Molecular consequence: missense variant. On other transcripts: 3 prime UTR variant (3).
Genome position (GRCh38, 1-based): chr16:30,070,118, C>T. VCF-style: chr16-30070118-C-T. GRCh37 (hg19) VCF-style: chr16-30081439-C-T.
Other names: NM_000034.3:c.1001C>T; c.*1510C>T (NM_001365304.2, NM_001365305.2, NM_001365307.2); c.1001C>T, p.Ala334Val (NM_001127617.2, NM_184041.5, NM_184043.2); short protein forms A388V, A334V.
Identifiers: ClinVar variation 4990532 (VCV004990532.1).

ClinVar aggregate classification (germline): Uncertain significance (1 of 4 stars; one submission).

Conditions:
ALDOA-related disorder. Also called: ALDOA-related condition.

gnomAD v4.1: 16 of 1,613,916 alleles (0.00099%); highest among the groups gnomAD compares: African/African-American, 0.0013%; no homozygotes.

Submission:

PreventionGenetics, part of Exact Sciences
Classification: Uncertain significance for ALDOA-related condition. Last evaluated: 2026-03-23. Review status: criteria provided, single submitter. Criteria: ACMG Guidelines, 2015. Collection method: clinical testing. Allele origin: germline.
Comment: The ALDOA c.1001C>T variant is predicted to result in the amino acid substitution p.Ala334Val. This variant has been reported in the homozygous state in an individual with features of Aldolase A deficiency (Santoro et al. 2022. PubMed ID: 35246226). This variant is reported in 0.0018% of alleles in individuals of European (non-Finnish) descent in gnomAD. At this time, the clinical significance of this variant is uncertain due to the absence of conclusive functional and genetic evidence.